The following is an entry in ClinVar:

ClinVar aggregate classification (germline): Benign (0 of 4 stars; one submission).

Conditions:
IRAK3-related disorder. Also called: IRAK3-related condition.

Allele frequency attached by ClinVar (database versions not stated): 1000 Genomes Project 30x 0.70768; 1000 Genomes Project 0.70887; TOPMed 0.77344; ESP Exome Variant Server 0.78400; gnomAD 0.78848; ExAC 0.86305; gnomAD exomes 0.91187.
gnomAD v4.1: 1,428,828 of 1,589,414 alleles (90%); highest among the groups gnomAD compares: Non-Finnish European, 94%; 652,620 homozygotes.

Submission:

PreventionGenetics, part of Exact Sciences
Classification: Benign for IRAK3-related condition. Last evaluated: 2019-10-17. Review status: no assertion criteria provided. Collection method: clinical testing. Allele origin: germline.
Comment: This variant is classified as benign based on ACMG/AMP sequence variant interpretation guidelines (Richards et al. 2015 PMID: 25741868, with internal and published modifications).

NM_007199.3(IRAK3):c.439A>G (p.Ile147Val)

Gene: IRAK3 (interleukin 1 receptor associated kinase 3; plus strand). Cytogenetic location: 12q14.3.
Variant type: single nucleotide variant.
Coding change: c.439A>G on transcript NM_007199.3 (MANE Select); coding-DNA position 439, A replaced by G.
Protein change: p.Ile147Val; replaces isoleucine 147 with valine.
Molecular consequence: missense variant.
Genome position (GRCh38, 1-based): chr12:66,211,448, A>G. VCF-style: chr12-66211448-A-G. GRCh37 (hg19) VCF-style: chr12-66605228-A-G.
Other names: c.256A>G, p.Ile86Val (NM_001142523.2); short protein forms I147V, I86V.
Identifiers: ClinVar variation 3059815 (VCV003059815.2), dbSNP rs1152888, ClinGen allele CA6672651.